The following is an entry in ClinVar:

ClinVar aggregate classification (germline): Uncertain significance (1 of 4 stars; one submission).

Submission:

GeneDx
Classification: Uncertain significance. Last evaluated: 2024-10-25. Review status: criteria provided, single submitter. Criteria: GeneDx Variant Classification Process June 2021. Collection method: clinical testing. Allele origin: germline. Affected: yes.
Comment: Not observed at significant frequency in large population cohorts (gnomAD); Stop codon loss and change to a His codon, leading to protein extension and the addition of 24 amino acids at the C-terminus; Has not been previously published as pathogenic or benign to our knowledge

NM_030962.4(SBF2):c.5548_*4del (p.Ter1850HisextTer?)

Genes: SBF2 (SET binding factor 2; minus strand), SBF2-AS1 (SBF2 antisense RNA 1; plus strand). Cytogenetic location: 11p15.4.
Variant type: Microsatellite.
Coding change: c.5548_*4del on transcript NM_030962.4 (MANE Select); coding-DNA position 5548 through 4 bases downstream of the stop codon, 7 bases deleted (TGATGCC; older notation c.5548_*4delTGATGCC).
Protein change: p.Ter1850HisextTer?.
Molecular consequence: frameshift variant, stop lost.
Genome position (GRCh38, 1-based): chr11:9,780,414-9,780,420, GGCATCA deleted on the plus strand (TGATGCC on the coding strand, the reverse complement: SBF2 is on the minus strand); deleting any 7 consecutive bases within chr11:9,780,414-9,780,428 gives the same sequence; the c. name uses the placement nearest the transcript's 3' end. VCF-style (leftmost placement, unchanged base first): chr11-9780413-GGGCATCA-G. GRCh37 (hg19) VCF-style: chr11-9801960-GGGCATCA-G.
Other names: c.5644_*4del, p.Ter1882HisextTer? (NM_001386339.1); c.5419_*4del, p.Ter1807HisextTer? (NM_001386342.1); c.5584_*4del, p.Ter1862HisextTer? (NM_001424318.1, NM_001425070.1); c.5443_*4del, p.Ter1815HisextTer? (NM_001425069.1).
Identifiers: ClinVar variation 3893477 (VCV003893477.1).